The following is an entry in ClinVar:

NC_000005.10:g.112707464G>A

Gene: APC (APC regulator of Wnt signaling pathway; plus strand). Cytogenetic location: 5q22.2.
Variant type: single nucleotide variant.
Genome position: GRCh38 VCF-style: chr5-112707464-G-A. GRCh37 (hg19) VCF-style: chr5-112043161-G-A.
Identifiers: ClinVar variation 3653419 (VCV003653419.2).

ClinVar aggregate classification (germline): Uncertain significance (1 of 4 stars; one submission).

Conditions:
Familial adenomatous polyposis 1 (FAP1). Also called: FAMILIAL ADENOMATOUS POLYPOSIS 1, ATTENUATED; POLYPOSIS, ADENOMATOUS INTESTINAL. Identifiers: MedGen C2713442, MONDO:0021056, OMIM 175100. Disease mechanism: loss of function.

Submission:

Labcorp Genetics (formerly Invitae), Labcorp
Classification: Uncertain significance for Familial adenomatous polyposis 1. Last evaluated: 2024-03-03. Review status: criteria provided, single submitter. Criteria: Invitae Variant Classification Sherloc (09022015). Collection method: clinical testing. Allele origin: germline.
Comment: This variant occurs in a non-coding region of the APC gene. It does not change the encoded amino acid sequence of the APC protein. This variant is not present in population databases (gnomAD no frequency). This variant has not been reported in the literature in individuals affected with APC-related conditions. Experimental studies and prediction algorithms are not available or were not evaluated, and the functional significance of this variant is currently unknown. In summary, the available evidence is currently insufficient to determine the role of this variant in disease. Therefore, it has been classified as a Variant of Uncertain Significance.